The following is an entry in ClinVar:

NM_001367624.2(ZNF469):c.5807A>G (p.Asn1936Ser)

Gene: ZNF469 (zinc finger protein 469; plus strand). Cytogenetic location: 16q24.2.
Variant type: single nucleotide variant.
Coding change: c.5807A>G on transcript NM_001367624.2 (MANE Select); coding-DNA position 5807, A replaced by G.
Protein change: p.Asn1936Ser; replaces asparagine 1936 with serine.
Molecular consequence: missense variant.
Genome position (GRCh38, 1-based): chr16:88,433,277, A>G. VCF-style: chr16-88433277-A-G. GRCh37 (hg19) VCF-style: chr16-88499685-A-G.
Other names: NM_001127464.1:c.5723A>G; short protein forms N1936S.
Identifiers: ClinVar variation 2449497 (VCV002449497.2), dbSNP rs2507591651, ClinGen allele CA397102504.

ClinVar aggregate classification (germline): Uncertain significance (1 of 4 stars; one submission).

Conditions:
Cardiovascular phenotype. Identifiers: MedGen CN230736.

Submission:

Ambry Genetics
Classification: Uncertain significance for Cardiovascular phenotype. Last evaluated: 2023-02-03. Review status: criteria provided, single submitter. Criteria: Ambry Variant Classification Scheme 2023. Collection method: clinical testing. Allele origin: germline.
Comment: The p.N1908S variant (also known as c.5723A>G), located in coding exon 2 of the ZNF469 gene, results from an A to G substitution at nucleotide position 5723. The asparagine at codon 1908 is replaced by serine, an amino acid with highly similar properties. This amino acid position is conserved. In addition, this alteration is predicted to be tolerated by in silico analysis. Since supporting evidence is limited at this time, the clinical significance of this alteration remains unclear.